The following is an entry in ClinVar:

NM_003070.5(SMARCA2):c.1937A>T (p.Asp646Val)

Gene: SMARCA2 (SWI/SNF related BAF chromatin remodeling complex subunit ATPase 2; plus strand). Cytogenetic location: 9p24.3.
Variant type: single nucleotide variant.
Coding change: c.1937A>T on transcript NM_003070.5 (MANE Select); coding-DNA position 1937, A replaced by T.
Protein change: p.Asp646Val; replaces aspartic acid 646 with valine.
Molecular consequence: missense variant.
Genome position (GRCh38, 1-based): chr9:2,076,230, A>T. VCF-style: chr9-2076230-A-T. GRCh37 (hg19) VCF-style: chr9-2076230-A-T.
Other names: c.1937A>T, p.Asp646Val (NM_001289396.2, NM_001289397.2, NM_139045.4); short protein forms D646V.
Identifiers: ClinVar variation 3381326 (VCV003381326.1).

ClinVar aggregate classification (germline): Uncertain significance (1 of 4 stars; one submission).

Submission:

GeneDx
Classification: Uncertain significance. Last evaluated: 2024-05-23. Review status: criteria provided, single submitter. Criteria: GeneDx Variant Classification Process June 2021. Collection method: clinical testing. Allele origin: germline. Affected: yes.
Comment: Not observed at significant frequency in large population cohorts (gnomAD); In silico analysis supports that this missense variant has a deleterious effect on protein structure/function; Has not been previously published as pathogenic or benign to our knowledge